The following is an entry in ClinVar:

NM_016035.5(COQ4):c.689C>A (p.Pro230Gln)

Gene: COQ4 (coenzyme Q4; plus strand). Cytogenetic location: 9q34.11.
Variant type: single nucleotide variant.
Coding change: c.689C>A on transcript NM_016035.5 (MANE Select); coding-DNA position 689, C replaced by A.
Protein change: p.Pro230Gln; replaces proline 230 with glutamine.
Molecular consequence: missense variant. On other transcripts: 3 prime UTR variant (1).
Genome position (GRCh38, 1-based): chr9:128,333,536, C>A. VCF-style: chr9-128333536-C-A. GRCh37 (hg19) VCF-style: chr9-131095815-C-A.
Other names: c.*65C>A (NM_001305942.2); short protein forms P230Q.
Identifiers: ClinVar variation 476188 (VCV000476188.8), dbSNP rs1016089045, ClinGen allele CA200342765.

ClinVar aggregate classification (germline): Uncertain significance (1 of 4 stars; one submission).

Conditions:
Neonatal encephalomyopathy-cardiomyopathy-respiratory distress syndrome. Also called: Coenzyme Q10 deficiency, primary, 7. Identifiers: Orphanet 457185, MedGen C5568562, MONDO:0014562, OMIM 616276.

Allele frequency attached by ClinVar (database versions not stated): gnomAD 0.00001; TOPMed 0.00001.
gnomAD v4.1: 10 of 1,607,600 alleles (0.00062%); highest among the groups gnomAD compares: Non-Finnish European, 0.00085%; no homozygotes.

Submission:

Labcorp Genetics (formerly Invitae), Labcorp
Classification: Uncertain significance for Neonatal encephalomyopathy-cardiomyopathy-respiratory distress syndrome. Last evaluated: 2022-06-07. Review status: criteria provided, single submitter. Criteria: Invitae Variant Classification Sherloc (09022015). Collection method: clinical testing. Allele origin: germline.
Comment: This sequence change replaces proline, which is neutral and non-polar, with glutamine, which is neutral and polar, at codon 230 of the COQ4 protein (p.Pro230Gln). This variant is not present in population databases (gnomAD no frequency). This variant has not been reported in the literature in individuals affected with COQ4-related conditions. ClinVar contains an entry for this variant (Variation ID: 476188). Algorithms developed to predict the effect of missense changes on protein structure and function (SIFT, PolyPhen-2, Align-GVGD) all suggest that this variant is likely to be tolerated. In summary, the available evidence is currently insufficient to determine the role of this variant in disease. Therefore, it has been classified as a Variant of Uncertain Significance.